The following is an entry in ClinVar:

NM_000322.5(PRPH2):c.748T>A (p.Cys250Ser)

Gene: PRPH2 (peripherin 2; minus strand). Cytogenetic location: 6p21.1.
Variant type: single nucleotide variant.
Coding change: c.748T>A on transcript NM_000322.5 (MANE Select); coding-DNA position 748, T replaced by A.
Protein change: p.Cys250Ser; replaces cysteine 250 with serine.
Molecular consequence: missense variant.
Genome position (GRCh38, 1-based): chr6:42,704,445, A>T on the plus strand (T>A on the coding strand, the complement: PRPH2 is on the minus strand). VCF-style: chr6-42704445-A-T. GRCh37 (hg19) VCF-style: chr6-42672183-A-T.
Other names: short protein forms C250S.
Identifiers: ClinVar variation 419521 (VCV000419521.8), dbSNP rs1064793931, ClinGen allele CA16618285.

ClinVar aggregate classification (germline): Pathogenic/Likely pathogenic. Review status: criteria provided, multiple submitters, no conflicts (2 of 4 stars). 4 submissions from 4 submitters: Pathogenic (2); Likely pathogenic (1). 1 of the submissions does not count toward it. Last evaluated 2022-10-05.

Conditions:
Stargardt disease (FFM). Also called: Stargardt's disease; Fundus flavimaculatus. Identifiers: Orphanet 827, MedGen C0271093, MONDO:0019353.
PRPH2-related disorder. Also called: PRPH2-related disorders; PRPH2-related condition. Identifiers: MedGen CN239395.

Submissions (4):

Labcorp Genetics (formerly Invitae), Labcorp
Classification: Pathogenic for PRPH2-related disorder. Last evaluated: 2022-10-05. Review status: criteria provided, single submitter. Criteria: Invitae Variant Classification Sherloc (09022015). Collection method: clinical testing. Allele origin: germline.
Comment: This sequence change replaces cysteine, which is neutral and slightly polar, with serine, which is neutral and polar, at codon 250 of the PRPH2 protein (p.Cys250Ser). This variant is not present in population databases (gnomAD no frequency). This missense change has been observed in individual(s) with Stargardt disease (PMID: 32531846; Invitae). ClinVar contains an entry for this variant (Variation ID: 419521). Advanced modeling of protein sequence and biophysical properties (such as structural, functional, and spatial information, amino acid conservation, physicochemical variation, residue mobility, and thermodynamic stability) performed at Invitae indicates that this missense variant is expected to disrupt PRPH2 protein function. This variant disrupts the p.Cys250 amino acid residue in PRPH2. Other variant(s) that disrupt this residue have been determined to be pathogenic (PMID: 16113362). This suggests that this residue is clinically significant, and that variants that disrupt this residue are likely to be disease-causing. For these reasons, this variant has been classified as Pathogenic.

NEI Ophthalmic Genomics Laboratory, National Institutes of Health
Classification: Likely pathogenic for Stargardt disease. Last evaluated: 2020-01-07. Review status: criteria provided, single submitter. Criteria: ACMG Guidelines, 2015. Collection method: clinical testing. Allele origin: germline. Affected: yes.
Comment: The variant NM_000322.4:c.748T>A in the PRPH2 gene has not been reported to our knowledge . This variant is not listed in dbSNP and/or HGMD. It is absent in gnomAD browser. It is not enriched in the PRPH2 disease cohort. We invoked ACMG criteria [PM2, PM4, PP3, PP5] and classified NM_000322.4:c.748T>A in the PRPH2 gene as a Likely Pathogenic mutation.

GeneDx
Classification: Pathogenic. Last evaluated: 2015-08-20. Review status: criteria provided, single submitter. Criteria: GeneDx Variant Classification (06012015). Collection method: clinical testing. Allele origin: germline. Affected: yes.
Comment: The C250S missense variant has not been published as a pathogenic variant, nor has it been reported as a benignpolymorphism to our knowledge. In vitro functional studies demonstrated that replacing the conservedCysteine at amino acid 250 with a Serine residue leads to protein misfolding and prevents tetramerformation (Goldberg et al. 1998). The C250S substitution was not observed in approximately 6,500 individualsof European and African American ancestry in the NHLBI Exome Sequencing Project, indicating it is nota common benign variant in these populations. The C250S variant is a non-conservative amino acidsubstitution that occurs at a position that is conserved across species. In silico analysis predicts this variantis probably damaging to the protein structure/function. Another missense variant in this residue (C250F)and other missense variants nearby residues (N244H, N244K, W246R, W246C, G249S, A253D, L254Q)have been reported in the Human Gene Mutation Database in association with PRPH2-related disorders(Stenson et al., 2014), supporting the functional importance of this region of the protein. Therefore, we interpret C250S as a pathogenic variant.

Leiden Open Variation Database
Classification: Likely pathogenic. Last evaluated: 2021-04-06. Review status: no assertion criteria provided. Collection method: curation. Allele origin: germline. Affected: yes. Not counted in ClinVar's aggregate classification.
Comment: Curator: Global Variome, with Curator vacancy. Submitter to LOVD: Manon Peeters.

Literature cited by the submitters: PubMed 32531846 (cited by Labcorp Genetics (formerly Invitae), Labcorp and Leiden Open Variation Database); PubMed 16113362 (cited by Labcorp Genetics (formerly Invitae), Labcorp).